The following is an entry in ClinVar:

ClinVar aggregate classification (germline): Benign. Review status: criteria provided, multiple submitters, no conflicts (2 of 4 stars). 3 submissions from 3 submitters: Benign (2). 1 of the submissions does not count toward it. Last evaluated 2026-01-19.

Conditions:
ZHX3-related disorder. Also called: ZHX3-related condition.

Allele frequency attached by ClinVar (database versions not stated): ExAC 0.00648; gnomAD 0.01912 and 0.02053; TOPMed 0.02164; 1000 Genomes Project 0.02196; 1000 Genomes Project 30x 0.02233; ESP Exome Variant Server 0.02245.
gnomAD v4.1: 5,739 of 1,608,116 alleles (0.36%); highest among the groups gnomAD compares: African/African-American, 6.4%; 172 homozygotes.

Submissions (3):

Labcorp Genetics (formerly Invitae), Labcorp
Classification: Benign. Last evaluated: 2026-01-19. Review status: criteria provided, single submitter. Criteria: Invitae Variant Classification Sherloc (09022015). Collection method: clinical testing. Allele origin: germline.

Breakthrough Genomics
Classification: Benign. Review status: criteria provided, single submitter. Criteria: ACMG Guidelines, 2015. Collection method: not provided. Allele origin: germline. Inheritance: Unknown mechanism. Affected: yes.

PreventionGenetics, part of Exact Sciences
Classification: Benign for ZHX3-related condition. Last evaluated: 2020-01-28. Review status: no assertion criteria provided. Collection method: clinical testing. Allele origin: germline. Not counted in ClinVar's aggregate classification.
Comment: This variant is classified as benign based on ACMG/AMP sequence variant interpretation guidelines (Richards et al. 2015 PMID: 25741868, with internal and published modifications).

NM_001384317.1(ZHX3):c.756C>T (p.Ala252=)

Gene: ZHX3 (zinc fingers and homeoboxes 3; minus strand). Cytogenetic location: 20q12.
Variant type: single nucleotide variant.
Coding change: c.756C>T on transcript NM_001384317.1 (MANE Select); coding-DNA position 756, C replaced by T.
Protein change: p.Ala252=; no amino-acid change (alanine 252 retained).
Molecular consequence: synonymous variant.
Genome position (GRCh38, 1-based): chr20:41,204,161, G>A on the plus strand (C>T on the coding strand, the complement: ZHX3 is on the minus strand). VCF-style: chr20-41204161-G-A. GRCh37 (hg19) VCF-style: chr20-39832801-G-A.
Other names: c.756C>T (NM_015035.3); c.756C>T, p.Ala252= (NM_001384315.1, NM_001384316.1, NM_001384318.1 and 8 more transcripts).
Identifiers: ClinVar variation 1670020 (VCV001670020.11), dbSNP rs111592779, ClinGen allele CA9860065.
Genomic context (GRCh38, chr20:41,204,161, plus strand): 5'-GAGGAACTGTGCTATGCCAGCTGGCAAAACTGGCACTGTTCCTATCAGGGGCCCGTTGGC[G>A]GCATGGGGGTTTTTTGCAGAGCTGGCAGATGCCTGGCTGACTGGAACTGCCCCATTGATG-3'
Protein context (NP_001371246.1, residues 242-262): ASASSAKNPH[Ala252=]ANGPLIGTVP